The following is an entry in ClinVar:

NM_001257180.2(SLC20A2):c.502T>G (p.Phe168Val)

Gene: SLC20A2 (solute carrier family 20 member 2; minus strand). Cytogenetic location: 8p11.21.
Variant type: single nucleotide variant.
Coding change: c.502T>G on transcript NM_001257180.2 (MANE Select); coding-DNA position 502, T replaced by G.
Protein change: p.Phe168Val; replaces phenylalanine 168 with valine.
Molecular consequence: missense variant.
Genome position (GRCh38, 1-based): chr8:42,463,019, A>C on the plus strand (T>G on the coding strand, the complement: SLC20A2 is on the minus strand). VCF-style: chr8-42463019-A-C. GRCh37 (hg19) VCF-style: chr8-42320537-A-C.
Other names: c.502T>G, p.Phe168Val (NM_001257181.2, NM_006749.5); short protein forms F168V.
Identifiers: ClinVar variation 4695300 (VCV004695300.2).
Genomic context (GRCh38, chr8:42,463,019, plus strand): 5'-CAAAAATAGTTCTTAAGATTTAATTAAAAGTAGCAGCCCCACTTACCTTTTTTAAGATGA[A>C]AATTCTGATGAGTACAAACAGCAGGCCAGACATGAAACCAGACAACAGTGGAGATATAAA-3'
Protein context (NP_001244109.1, residues 158-178): SGLLFVLIRI[Phe168Val]ILKKEDPVPN

ClinVar aggregate classification (germline): Uncertain significance. Review status: criteria provided, multiple submitters, no conflicts (2 of 4 stars). 2 submissions from 2 submitters: Uncertain significance (2). Last evaluated 2025-04-24.

gnomAD v4.1: 9 of 1,594,778 alleles (0.00056%); highest among the groups gnomAD compares: Non-Finnish European, 0.0006%; no homozygotes.

Submissions (2):

Labcorp Genetics (formerly Invitae), Labcorp
Classification: Uncertain significance. Last evaluated: 2025-04-24. Review status: criteria provided, single submitter. Criteria: Invitae Variant Classification Sherloc (09022015). Collection method: clinical testing. Allele origin: germline.
Comment: This sequence change replaces phenylalanine, which is neutral and non-polar, with valine, which is neutral and non-polar, at codon 168 of the SLC20A2 protein (p.Phe168Val). This variant is present in population databases (rs750252716, gnomAD 0.008%). This variant has not been reported in the literature in individuals affected with SLC20A2-related conditions. Invitae Evidence Modeling of protein sequence and biophysical properties (such as structural, functional, and spatial information, amino acid conservation, physicochemical variation, residue mobility, and thermodynamic stability) has been performed for this missense variant. However, the output from this modeling did not meet the statistical confidence thresholds required to predict the impact of this variant on SLC20A2 protein function. In summary, the available evidence is currently insufficient to determine the role of this variant in disease. Therefore, it has been classified as a Variant of Uncertain Significance.

Blueprint Genetics
Classification: Uncertain significance. Last evaluated: 2020-10-13. Review status: criteria provided, single submitter. Criteria: ACMG Guidelines, 2015. Collection method: clinical testing. Allele origin: germline.